The following is an entry in ClinVar:

NM_024426.6(WT1):c.356C>G (p.Ser119Trp)

Genes: WT1 (WT1 transcription factor; minus strand), LOC107982234 (WT1/WT1-AS bi-directional promoter region; plus strand). Cytogenetic location: 11p13.
Variant type: single nucleotide variant.
Coding change: c.356C>G on transcript NM_024426.6 (MANE Select); coding-DNA position 356, C replaced by G.
Protein change: p.Ser119Trp; replaces serine 119 with tryptophan.
Molecular consequence: missense variant. On other transcripts: non-coding transcript variant (1).
Genome position (GRCh38, 1-based): chr11:32,435,005, G>C on the plus strand (C>G on the coding strand, the complement: WT1 is on the minus strand). VCF-style: chr11-32435005-G-C. GRCh37 (hg19) VCF-style: chr11-32456551-G-C.
Other names: c.356C>G, p.Ser119Trp (NM_000378.6, NM_024424.5); short protein forms S119W.
Identifiers: ClinVar variation 1018324 (VCV001018324.6), dbSNP rs1853456180, ClinGen allele CA379965861.

ClinVar aggregate classification (germline): Uncertain significance (1 of 4 stars; one submission).

Conditions:
Wilms tumor 1 (WT1). Also called: Wilms tumor, somatic. Identifiers: Orphanet 654, MedGen CN033288, MONDO:0008679, OMIM 194070.
11p partial monosomy syndrome (WAGR). Also called: WAGR syndrome; CHROMOSOME 11p13 DELETION SYNDROME; WAGR Complex; WAGR Spectrum Disorder. Identifiers: Orphanet 893, MedGen C0206115, MONDO:0008681, OMIM 194072.
Frasier syndrome. Identifiers: Orphanet 347, MedGen C0950122, MeSH D052159, MONDO:0007635, OMIM 136680.
Drash syndrome (DDS). Also called: WILMS TUMOR AND PSEUDO- OR TRUE HERMAPHRODITISM; NEPHROPATHY, WILMS TUMOR, AND GENITAL ANOMALIES. Identifiers: Orphanet 220, MedGen C0950121, MONDO:0008682, OMIM 194080.

Submission:

Labcorp Genetics (formerly Invitae), Labcorp
Classification: Uncertain significance for Wilms tumor 1; Drash syndrome; 11p partial monosomy syndrome; Frasier syndrome. Last evaluated: 2021-08-24. Review status: criteria provided, single submitter. Criteria: Invitae Variant Classification Sherloc (09022015). Collection method: clinical testing. Allele origin: germline.
Comment: This sequence change replaces serine with tryptophan at codon 114 of the WT1 protein (p.Ser114Trp). The serine residue is highly conserved and there is a large physicochemical difference between serine and tryptophan. The frequency data for this variant in the population databases is considered unreliable, as metrics indicate insufficient coverage at this position in the ExAC database. This variant has not been reported in the literature in individuals affected with WT1-related conditions. Algorithms developed to predict the effect of missense changes on protein structure and function are either unavailable or do not agree on the potential impact of this missense change (SIFT: "Deleterious"; PolyPhen-2: "Probably Damaging"; Align-GVGD: "Class C15"). In summary, the available evidence is currently insufficient to determine the role of this variant in disease. Therefore, it has been classified as a Variant of Uncertain Significance.